The following is an entry in ClinVar:

ClinVar aggregate classification (germline): Conflicting classifications of pathogenicity. Review status: criteria provided, conflicting classifications (1 of 4 stars). 2 submissions from 2 submitters: Likely pathogenic (1); Uncertain significance (1). Last evaluated 2025-07-31.

Conditions:
Hereditary cancer-predisposing syndrome. Also called: Neoplastic Syndromes, Hereditary; Tumor predisposition; Hereditary Cancer Syndrome; Hereditary neoplastic syndrome. Identifiers: Orphanet 140162, MedGen C0027672, MeSH D009386, MONDO:0015356.
Familial meningioma. Also called: Meningioma, familial, susceptibility to. Identifiers: Orphanet 263662, MedGen C3551915, MONDO:0011789, OMIM 607174.

Allele frequency attached by ClinVar (database versions not stated): gnomAD exomes below 0.00001.
gnomAD v4.1: 1 of 1,548,490 alleles (0.000065%); highest among the groups gnomAD compares: Non-Finnish European, 0.000087%; no homozygotes.

Submissions (2):

Labcorp Genetics (formerly Invitae), Labcorp
Classification: Likely pathogenic for Familial meningioma. Last evaluated: 2025-07-31. Review status: criteria provided, single submitter. Criteria: Invitae Variant Classification Sherloc (09022015). Collection method: clinical testing. Allele origin: germline.
Comment: This sequence change affects a donor splice site in intron 7 of the SMARCE1 gene. It is expected to disrupt RNA splicing. Variants that disrupt the donor or acceptor splice site typically lead to a loss of protein function (PMID: 16199547), and loss-of-function variants in SMARCE1 are known to be pathogenic (PMID: 23377182). This variant is not present in population databases (gnomAD no frequency). This variant has not been reported in the literature in individuals affected with SMARCE1-related conditions. ClinVar contains an entry for this variant (Variation ID: 641297). Algorithms developed to predict the effect of sequence changes on RNA splicing suggest that this variant may disrupt the consensus splice site. In summary, the currently available evidence indicates that the variant is pathogenic, but additional data are needed to prove that conclusively. Therefore, this variant has been classified as Likely Pathogenic.

Ambry Genetics
Classification: Uncertain significance for Hereditary cancer-predisposing syndrome. Last evaluated: 2025-03-06. Review status: criteria provided, single submitter. Criteria: Ambry Variant Classification Scheme 2023. Collection method: clinical testing. Allele origin: germline.
Comment: The c.541+1G>A intronic variant results from a G to A substitution one nucleotide after coding exon 6 of the SMARCE1 gene. Alterations that disrupt the canonical splice site are expected to result in aberrant splicing. In silico splice site analysis predicts that this alteration will weaken the native splice donor site and will result in the creation or strengthening of a novel splice donor site. The resulting transcript is predicted to be in-frame and is not expected to trigger nonsense-mediated mRNAdecay; although; however, direct evidence is insufficient at this time (Ambry internal data). This nucleotide position is highly conserved in available vertebrate species. Based on the available evidence, the clinical significance of this variant remains unclear.

Literature cited by the submitters: PubMed 16199547 (cited by Labcorp Genetics (formerly Invitae), Labcorp); PubMed 23377182 (cited by Labcorp Genetics (formerly Invitae), Labcorp).

NM_003079.5(SMARCE1):c.541+1G>A

Gene: SMARCE1 (SWI/SNF related BAF chromatin remodeling complex subunit E1; minus strand). Cytogenetic location: 17q21.2.
Variant type: single nucleotide variant.
Coding change: c.541+1G>A on transcript NM_003079.5 (MANE Select); the canonical splice donor site of the intron after coding-DNA position 541, G replaced by A.
Molecular consequence: splice donor variant.
Genome position (GRCh38, 1-based): chr17:40,635,930, C>T on the plus strand (G>A on the coding strand, the complement: SMARCE1 is on the minus strand). VCF-style: chr17-40635930-C-T. GRCh37 (hg19) VCF-style: chr17-38792182-C-T.
Identifiers: ClinVar variation 641297 (VCV000641297.12), dbSNP rs1597746020, ClinGen allele CA399366172.